The following is an entry in ClinVar:

NM_003098.3(SNTA1):c.1065G>T (p.Lys355Asn)

Gene: SNTA1 (syntrophin alpha 1; minus strand). Cytogenetic location: 20q11.21.
Variant type: single nucleotide variant.
Coding change: c.1065G>T on transcript NM_003098.3 (MANE Select); coding-DNA position 1065, G replaced by T.
Protein change: p.Lys355Asn; replaces lysine 355 with asparagine.
Molecular consequence: missense variant.
Genome position (GRCh38, 1-based): chr20:33,410,307, C>A on the plus strand (G>T on the coding strand, the complement: SNTA1 is on the minus strand). VCF-style: chr20-33410307-C-A. GRCh37 (hg19) VCF-style: chr20-31998113-C-A.
Other names: short protein forms K355N.
Identifiers: ClinVar variation 1515880 (VCV001515880.8), dbSNP rs1989709760, ClinGen allele CA408630822.

ClinVar aggregate classification (germline): Uncertain significance (1 of 4 stars; one submission).

Conditions:
Long QT syndrome (LQTS). Identifiers: MedGen C0023976, MeSH D008133, MONDO:0002442. Disease mechanism: loss of function. Inheritance: Various modes of inheritance.

Allele frequency attached by ClinVar (database versions not stated): TOPMed below 0.00001; gnomAD 0.00001.

Submission:

Labcorp Genetics (formerly Invitae), Labcorp
Classification: Uncertain significance for Long QT syndrome. Last evaluated: 2021-03-10. Review status: criteria provided, single submitter. Criteria: Invitae Variant Classification Sherloc (09022015). Collection method: clinical testing. Allele origin: germline.
Comment: This sequence change replaces lysine with asparagine at codon 355 of the SNTA1 protein (p.Lys355Asn). The lysine residue is moderately conserved and there is a moderate physicochemical difference between lysine and asparagine. This variant is not present in population databases (ExAC no frequency). This variant has not been reported in the literature in individuals with SNTA1-related conditions. Algorithms developed to predict the effect of missense changes on protein structure and function are either unavailable or do not agree on the potential impact of this missense change (SIFT: "Tolerated"; PolyPhen-2: "Probably Damaging"; Align-GVGD: "Class C0"). In summary, the available evidence is currently insufficient to determine the role of this variant in disease. Therefore, it has been classified as a Variant of Uncertain Significance.